The following is an entry in ClinVar:

ClinVar aggregate classification (germline): Likely pathogenic (1 of 4 stars; one submission).

Conditions:
Tyrosinemia type II (TYRSN2). Also called: KERATOSIS PALMOPLANTARIS WITH CORNEAL DYSTROPHY; OREGON TYPE TYROSINEMIA; TAT DEFICIENCY; TYROSINE AMINOTRANSFERASE DEFICIENCY; TYROSINE TRANSAMINASE DEFICIENCY. Identifiers: Orphanet 28378, MedGen C0268487, MONDO:0010160, OMIM 276600.

Submission:

Labcorp Genetics (formerly Invitae), Labcorp
Classification: Likely pathogenic for Tyrosinemia type II. Last evaluated: 2023-08-14. Review status: criteria provided, single submitter. Criteria: Invitae Variant Classification Sherloc (09022015). Collection method: clinical testing. Allele origin: germline.
Comment: In summary, the currently available evidence indicates that the variant is pathogenic, but additional data are needed to prove that conclusively. Therefore, this variant has been classified as Likely Pathogenic. Algorithms developed to predict the effect of sequence changes on RNA splicing suggest that this variant may disrupt the consensus splice site. This variant has not been reported in the literature in individuals affected with TAT-related conditions. This variant is not present in population databases (gnomAD no frequency). This sequence change affects a donor splice site in intron 9 of the TAT gene. It is expected to disrupt RNA splicing. Variants that disrupt the donor or acceptor splice site typically lead to a loss of protein function (PMID: 16199547), and loss-of-function variants in TAT are known to be pathogenic (PMID: 9544843).

Literature cited by the submitters: PubMed 16199547; PubMed 9544843.

NM_000353.3(TAT):c.1041+2T>G

Genes: TAT (tyrosine aminotransferase; minus strand), TAT-AS1 (TAT antisense RNA 1; plus strand). Cytogenetic location: 16q22.2.
Variant type: single nucleotide variant.
Coding change: c.1041+2T>G on transcript NM_000353.3 (MANE Select); the canonical splice donor site of the intron after coding-DNA position 1041, T replaced by G.
Molecular consequence: splice donor variant.
Genome position (GRCh38, 1-based): chr16:71,570,267, A>C on the plus strand (T>G on the coding strand, the complement: TAT is on the minus strand). VCF-style: chr16-71570267-A-C. GRCh37 (hg19) VCF-style: chr16-71604170-A-C.
Identifiers: ClinVar variation 2752519 (VCV002752519.3), dbSNP rs113758103, ClinGen allele CA396650730.
Genomic context (GRCh38, chr16:71,570,267, plus strand): 5'-TTCCACGGGCGGCATTCTCTGACTCCCAAACTCCCAAAGTGGAGGGCAGGAGCTGCCCTT[A>C]CCTTGAGGAAGCTCAGAGTGTTGTGGTAAAACTCTCCCGGGGTGCGACATAGGATGCTTT-3'